The following is an entry in ClinVar:

NM_005912.3(MC4R):c.21T>C (p.Arg7=)

Gene: MC4R (melanocortin 4 receptor; minus strand). Cytogenetic location: 18q21.32.
Variant type: single nucleotide variant.
Coding change: c.21T>C on transcript NM_005912.3 (MANE Select); coding-DNA position 21, T replaced by C.
Protein change: p.Arg7=; no amino-acid change (arginine 7 retained).
Molecular consequence: synonymous variant.
Genome position (GRCh38, 1-based): chr18:60,372,329, A>G on the plus strand (T>C on the coding strand, the complement: MC4R is on the minus strand). VCF-style: chr18-60372329-A-G. GRCh37 (hg19) VCF-style: chr18-58039562-A-G.
Identifiers: ClinVar variation 888708 (VCV000888708.5), dbSNP rs760074702, ClinGen allele CA8981002.

ClinVar aggregate classification (germline): Conflicting classifications of pathogenicity. Review status: criteria provided, conflicting classifications (1 of 4 stars). 2 submissions from 2 submitters: Uncertain significance (1); Likely benign (1). Last evaluated 2026-02-12.

Conditions:
MC4R-related disorder. Also called: MC4R-related condition.
Obesity. Also called: Obesity disorder. Identifiers: Orphanet 71529, MedGen C0028754, MeSH D009765, MONDO:0011122, HP:0001513.

Allele frequency attached by ClinVar (database versions not stated): gnomAD 0.00001; gnomAD exomes 0.00002 and 0.00005; TOPMed 0.00002; ExAC 0.00005.

Submissions (2):

PreventionGenetics, part of Exact Sciences
Classification: Likely benign for MC4R-related condition. Last evaluated: 2026-02-12. Review status: criteria provided, single submitter. Criteria: ACMG Guidelines, 2015. Collection method: clinical testing. Allele origin: germline.
Comment: This variant is classified as likely benign based on ACMG/AMP sequence variant interpretation guidelines (Richards et al. 2015 PMID: 25741868, with internal and published modifications).

Illumina Laboratory Services, Illumina
Classification: Uncertain significance for Inherited obesity. Last evaluated: 2018-01-13. Review status: criteria provided, single submitter. Criteria: ICSL Variant Classification Criteria 13 December 2019. Collection method: clinical testing. Allele origin: germline.